The following is an entry in ClinVar:

NM_080911.3(UNG):c.62C>T (p.Ala21Val)

Gene: UNG (uracil DNA glycosylase; plus strand). Cytogenetic location: 12q24.11.
Variant type: single nucleotide variant.
Coding change: c.62C>T on transcript NM_080911.3 (MANE Select); coding-DNA position 62, C replaced by T.
Protein change: p.Ala21Val; replaces alanine 21 with valine.
Molecular consequence: missense variant.
Genome position (GRCh38, 1-based): chr12:109,097,741, C>T. VCF-style: chr12-109097741-C-T. GRCh37 (hg19) VCF-style: chr12-109535546-C-T.
Other names: short protein forms A21V.
Identifiers: ClinVar variation 1369721 (VCV001369721.8), dbSNP rs1268732277, ClinGen allele CA386468699.
Genomic context (GRCh38, chr12:109,097,741, plus strand): 5'-TGATCGGCCAGAAGACGCTCTACTCCTTTTTCTCCCCCAGCCCCGCCAGGAAGCGACACG[C>T]CCCCAGCCCCGAGCCGGCCGTCCAGGGGACCGGCGTGGCTGGGGTGCCTGAGGAAAGCGG-3'
Protein context (NP_550433.1, residues 11-31): FSPSPARKRH[Ala21Val]PSPEPAVQGT

ClinVar aggregate classification (germline): Uncertain significance (1 of 4 stars; one submission).

Conditions:
Hyper-IgM syndrome type 5 (HIGM5). Also called: Hyper-IgM Immunodeficiency Syndrome, Type 5. Identifiers: Orphanet 101092, MedGen C1720958, MONDO:0011971, OMIM 608106.

Submission:

Labcorp Genetics (formerly Invitae), Labcorp
Classification: Uncertain significance for Hyper-IgM syndrome type 5. Last evaluated: 2021-04-08. Review status: criteria provided, single submitter. Criteria: Invitae Variant Classification Sherloc (09022015). Collection method: clinical testing. Allele origin: germline.
Comment: In summary, the available evidence is currently insufficient to determine the role of this variant in disease. Therefore, it has been classified as a Variant of Uncertain Significance. Algorithms developed to predict the effect of missense changes on protein structure and function output the following: SIFT: "Tolerated"; PolyPhen-2: "Benign"; Align-GVGD: "Class C0". The valine amino acid residue is found in multiple mammalian species, suggesting that this missense change does not adversely affect protein function. These predictions have not been confirmed by published functional studies and their clinical significance is uncertain. This variant has not been reported in the literature in individuals with UNG-related conditions. This variant is not present in population databases (ExAC no frequency). This sequence change replaces alanine with valine at codon 21 of the UNG protein (p.Ala21Val). The alanine residue is weakly conserved and there is a small physicochemical difference between alanine and valine.